The following is an entry in ClinVar:

ClinVar aggregate classification (germline): Uncertain significance (1 of 4 stars; one submission).

Allele frequency attached by ClinVar (database versions not stated): ExAC 0.00001; gnomAD exomes 0.00001.
gnomAD v4.1: 4 of 1,614,082 alleles (0.00025%); highest among the groups gnomAD compares: Non-Finnish European, 0.00025%; no homozygotes.

Submission:

Labcorp Genetics (formerly Invitae), Labcorp
Classification: Uncertain significance. Last evaluated: 2023-12-17. Review status: criteria provided, single submitter. Criteria: Invitae Variant Classification Sherloc (09022015). Collection method: clinical testing. Allele origin: germline.
Comment: This sequence change replaces serine, which is neutral and polar, with leucine, which is neutral and non-polar, at codon 215 of the FOCAD protein (p.Ser215Leu). This variant is present in population databases (rs758744690, gnomAD 0.0009%). This variant has not been reported in the literature in individuals affected with FOCAD-related conditions. Experimental studies and prediction algorithms are not available or were not evaluated, and the functional significance of this variant is currently unknown. In summary, the available evidence is currently insufficient to determine the role of this variant in disease. Therefore, it has been classified as a Variant of Uncertain Significance.

NM_001375567.1(FOCAD):c.644C>T (p.Ser215Leu)

Gene: FOCAD (focadhesin; plus strand). Cytogenetic location: 9p21.3.
Variant type: single nucleotide variant.
Coding change: c.644C>T on transcript NM_001375567.1 (MANE Select); coding-DNA position 644, C replaced by T.
Protein change: p.Ser215Leu; replaces serine 215 with leucine.
Molecular consequence: missense variant.
Genome position (GRCh38, 1-based): chr9:20,765,018, C>T. VCF-style: chr9-20765018-C-T. GRCh37 (hg19) VCF-style: chr9-20765017-C-T.
Other names: c.644C>T, p.Ser215Leu (NM_001375568.1, NM_017794.5); c.539C>T, p.Ser180Leu (NM_001375570.1); short protein forms S180L, S215L.
Identifiers: ClinVar variation 2703658 (VCV002703658.3), dbSNP rs758744690, ClinGen allele CA5006423.